The following is an entry in ClinVar:

ClinVar aggregate classification (germline): Likely benign (1 of 4 stars; one submission).

Allele frequency attached by ClinVar (database versions not stated): ExAC 0.00002; gnomAD 0.00002; TOPMed 0.00003; gnomAD exomes 0.00008.

Submission:

CeGaT Center for Human Genetics Tuebingen
Classification: Likely benign. Last evaluated: 2022-09-01. Review status: criteria provided, single submitter. Criteria: CeGaT Center For Human Genetics Tuebingen Variant Classification Criteria Version 2. Collection method: clinical testing. Allele origin: germline. Affected: yes. Observed: 2 variant alleles.
Comment: ACTL6B: BP4, BP7

NM_016188.5(ACTL6B):c.885C>T (p.Gly295=)

Gene: ACTL6B (actin like 6B; minus strand). Cytogenetic location: 7q22.1.
Variant type: single nucleotide variant.
Coding change: c.885C>T on transcript NM_016188.5 (MANE Select); coding-DNA position 885, C replaced by T.
Protein change: p.Gly295=; no amino-acid change (glycine 295 retained).
Molecular consequence: synonymous variant. On other transcripts: non-coding transcript variant (1).
Genome position (GRCh38, 1-based): chr7:100,647,022, G>A on the plus strand (C>T on the coding strand, the complement: ACTL6B is on the minus strand). VCF-style: chr7-100647022-G-A. GRCh37 (hg19) VCF-style: chr7-100244645-G-A.
Identifiers: ClinVar variation 2657751 (VCV002657751.24), dbSNP rs755333165, ClinGen allele CA4387115.